The following is an entry in ClinVar:

NM_000444.6(PHEX):c.1560G>A (p.Trp520Ter)

Gene: PHEX (phosphate regulating endopeptidase X-linked; plus strand). Cytogenetic location: Xp22.11.
Variant type: single nucleotide variant.
Coding change: c.1560G>A on transcript NM_000444.6 (MANE Select); coding-DNA position 1560, G replaced by A.
Protein change: p.Trp520Ter; replaces tryptophan 520 with a stop codon.
Molecular consequence: nonsense.
Genome position (GRCh38, 1-based): chrX:22,178,350, G>A. VCF-style: chrX-22178350-G-A. GRCh37 (hg19) VCF-style: chrX-22196467-G-A.
Other names: c.1560G>A, p.Trp520Ter (NM_001282754.2); short protein forms W520*.
Identifiers: ClinVar variation 2130168 (VCV002130168.4), dbSNP rs2518606214, ClinGen allele CA412574948.

ClinVar aggregate classification (germline): Pathogenic (1 of 4 stars; one submission).

Submission:

Labcorp Genetics (formerly Invitae), Labcorp
Classification: Pathogenic. Last evaluated: 2022-08-21. Review status: criteria provided, single submitter. Criteria: Invitae Variant Classification Sherloc (09022015). Collection method: clinical testing. Allele origin: germline.
Comment: For these reasons, this variant has been classified as Pathogenic. This variant has not been reported in the literature in individuals affected with PHEX-related conditions. This variant is not present in population databases (gnomAD no frequency). This sequence change creates a premature translational stop signal (p.Trp520*) in the PHEX gene. It is expected to result in an absent or disrupted protein product. Loss-of-function variants in PHEX are known to be pathogenic (PMID: 9097956, 9106524, 19219621).

Literature cited by the submitters: PubMed 9097956; PubMed 9106524; PubMed 19219621.